The following is an entry in ClinVar:

ClinVar aggregate classification (germline): Pathogenic (1 of 4 stars; one submission).

Conditions:
Spastic paraplegia. Identifiers: MedGen C0037772, HP:0001258.

Allele frequency attached by ClinVar (database versions not stated): gnomAD exomes 0.00001 and 0.00003; ExAC 0.00002; TOPMed 0.00013.

Submission:

Labcorp Genetics (formerly Invitae), Labcorp
Classification: Pathogenic for Spastic paraplegia. Last evaluated: 2025-03-02. Review status: criteria provided, single submitter. Criteria: Invitae Variant Classification Sherloc (09022015). Collection method: clinical testing. Allele origin: germline.
Comment: This sequence change creates a premature translational stop signal (p.His915Leufs*29) in the AP4E1 gene. It is expected to result in an absent or disrupted protein product. Loss-of-function variants in AP4E1 are known to be pathogenic (PMID: 21620353, 21937992, 23472171). This variant is present in population databases (rs754944429, gnomAD 0.02%). This variant has not been reported in the literature in individuals affected with AP4E1-related conditions. ClinVar contains an entry for this variant (Variation ID: 569155). For these reasons, this variant has been classified as Pathogenic.

Literature cited by the submitters: PubMed 21620353; PubMed 21937992; PubMed 23472171.

NM_007347.5(AP4E1):c.2743_2744insTATGT (p.His915fs)

Gene: AP4E1 (adaptor related protein complex 4 subunit epsilon 1; plus strand). Cytogenetic location: 15q21.2.
Variant type: Insertion.
Coding change: c.2743_2744insTATGT on transcript NM_007347.5 (MANE Select); coding-DNA positions 2743 to 2744, TATGT inserted.
Protein change: p.His915fs; shifts the reading frame from histidine 915.
Molecular consequence: frameshift variant.
Genome position: GRCh38 VCF-style: chr15-50997722-C-CTATGT. GRCh37 (hg19) VCF-style: chr15-51289919-C-CTATGT.
Other names: c.2518_2519insTATGT, p.His840fs (NM_001252127.2); short protein forms H840fs, H915fs.
Identifiers: ClinVar variation 569155 (VCV000569155.6), dbSNP rs754944429, ClinGen allele CA7559366.